The following is an entry in ClinVar:

ClinVar aggregate classification (germline): Uncertain significance (1 of 4 stars; one submission).

Conditions:
Carnitine palmitoyltransferase II deficiency. Also called: Carnitine Palmitoyltransferase 2 Deficiency. Identifiers: Orphanet 157, MedGen C0342790, MONDO:0015515.

Allele frequency attached by ClinVar (database versions not stated): gnomAD exomes below 0.00001 and 0.00001.
gnomAD v4.1: 2 of 1,527,038 alleles (0.00013%); highest among the groups gnomAD compares: Non-Finnish European, 0.000087%; no homozygotes.

Submission:

Labcorp Genetics (formerly Invitae), Labcorp
Classification: Uncertain significance for Carnitine palmitoyltransferase II deficiency. Last evaluated: 2022-07-18. Review status: criteria provided, single submitter. Criteria: Invitae Variant Classification Sherloc (09022015). Collection method: clinical testing. Allele origin: germline.
Comment: This variant is present in population databases (no rsID available, gnomAD 0.002%). In summary, the available evidence is currently insufficient to determine the role of this variant in disease. Therefore, it has been classified as a Variant of Uncertain Significance. Advanced modeling of protein sequence and biophysical properties (such as structural, functional, and spatial information, amino acid conservation, physicochemical variation, residue mobility, and thermodynamic stability) performed at Invitae indicates that this missense variant is not expected to disrupt CPT2 protein function. ClinVar contains an entry for this variant (Variation ID: 642692). This variant has not been reported in the literature in individuals affected with CPT2-related conditions. This sequence change replaces valine, which is neutral and non-polar, with phenylalanine, which is neutral and non-polar, at codon 16 of the CPT2 protein (p.Val16Phe).

NM_000098.3(CPT2):c.46G>T (p.Val16Phe)

Genes: CPT2 (carnitine palmitoyltransferase 2; plus strand), LOC129930561 (ATAC-STARR-seq lymphoblastoid silent region 902; plus strand). Cytogenetic location: 1p32.3.
Variant type: single nucleotide variant.
Coding change: c.46G>T on transcript NM_000098.3 (MANE Select); coding-DNA position 46, G replaced by T.
Protein change: p.Val16Phe; replaces valine 16 with phenylalanine.
Molecular consequence: missense variant.
Genome position (GRCh38, 1-based): chr1:53,196,989, G>T. VCF-style: chr1-53196989-G-T. GRCh37 (hg19) VCF-style: chr1-53662661-G-T.
Other names: c.46G>T, p.Val16Phe (NM_001330589.2); short protein forms V16F.
Identifiers: ClinVar variation 642692 (VCV000642692.9), dbSNP rs1469396631, ClinGen allele CA340388634.